The following is an entry in ClinVar:

ClinVar aggregate classification (germline): Conflicting classifications of pathogenicity. Review status: criteria provided, conflicting classifications (1 of 4 stars). 10 submissions from 10 submitters: Uncertain significance (4); Benign (1); Likely benign (3). 2 of the submissions do not count toward it. Last evaluated 2026-01-28.

Conditions:
Hereditary cancer-predisposing syndrome. Also called: Hereditary Cancer Syndrome; Hereditary neoplastic syndrome; Tumor predisposition; Neoplastic Syndromes, Hereditary. Identifiers: Orphanet 140162, MedGen C0027672, MeSH D009386, MONDO:0015356.
BLM-related disorder. Also called: BLM-related condition.
Bloom syndrome (BLM). Also called: Bloom-Torre-Machacek syndrome. Identifiers: Orphanet 125, MedGen C0005859, MONDO:0008876, OMIM 210900.

Allele frequency attached by ClinVar (database versions not stated): gnomAD 0.00086.
gnomAD v4.1: 832 of 1,613,836 alleles (0.052%); highest among the groups gnomAD compares: Non-Finnish European, 0.036%; 2 homozygotes.

Submissions (10):

Labcorp Genetics (formerly Invitae), Labcorp
Classification: Benign for Bloom syndrome. Last evaluated: 2026-01-28. Review status: criteria provided, single submitter. Criteria: Invitae Variant Classification Sherloc (09022015). Collection method: clinical testing. Allele origin: germline.

Mayo Clinic Laboratories, Mayo Clinic
Classification: Uncertain significance. Last evaluated: 2025-01-24. Review status: criteria provided, single submitter. Criteria: ACMG Guidelines, 2015. Collection method: clinical testing. Allele origin: germline. Observed: 1 variant allele.

Quest Diagnostics Nichols Institute San Juan Capistrano
Classification: Likely benign. Last evaluated: 2024-12-06. Review status: criteria provided, single submitter. Criteria: Quest Diagnostics criteria. Collection method: clinical testing. Allele origin: unknown.

St. Jude Molecular Pathology, St. Jude Children's Research Hospital
Classification: Uncertain significance for Bloom syndrome. Last evaluated: 2023-05-31. Review status: criteria provided, single submitter. Criteria: St. Jude Assertion Criteria 2020. Collection method: clinical testing. Allele origin: germline.
Comment: The BLM c.2362C>A (p.Leu788Ile) missense change has a maximum subpopulation frequency of 0.081% in gnomAD v2.1.1. The in silico tool REVEL is inconclusive about a pathogenic or benign effect of this variant on protein function, and to our knowledge functional studies have not been performed. This variant has been reported in one individual with breast cancer (PMID: 23028338), and in cases with Langerhans cell histiocytosis (PMID: 33332384), colorectal cancer (PMID: 28944238) and one suspected Lynch syndrome (PMID: 32660107). It has also identified in 2 of 1358 control individuals collected as part of non-cancer studies (PMID: 29641532). To our knowledge, this variant has not been reported in individuals with Bloom syndrome. In summary, the evidence currently available is insufficient to determine the clinical significance of this variant. It has therefore been classified as of uncertain significance.

Ambry Genetics
Classification: Likely benign for Hereditary cancer-predisposing syndrome. Last evaluated: 2020-10-05. Review status: criteria provided, single submitter. Criteria: Ambry Variant Classification Scheme 2023. Collection method: clinical testing. Allele origin: germline.

GeneDx
Classification: Uncertain significance. Last evaluated: 2020-03-07. Review status: criteria provided, single submitter. Criteria: GeneDx Variant Classification Process June 2021. Collection method: clinical testing. Allele origin: germline. Affected: yes.
Comment: Observed in individuals with a personal history of breast cancer (Thompson et al., 2012); In silico analysis supports that this missense variant does not alter protein structure/function; This variant is associated with the following publications: (PMID: 23028338)

Genetic Services Laboratory, University of Chicago
Classification: Uncertain significance. Last evaluated: 2020-01-09. Review status: criteria provided, single submitter. Criteria: ACMG Guidelines, 2015. Collection method: clinical testing. Allele origin: germline. Affected: no.

Illumina Laboratory Services, Illumina
Classification: Likely benign for Bloom syndrome. Last evaluated: 2017-05-22. Review status: criteria provided, single submitter. Criteria: ICSL Variant Classification Criteria 13 December 2019. Collection method: clinical testing. Allele origin: germline.
Comment: This variant was observed as part of a predisposition screen in an ostensibly healthy population. A literature search was performed for the gene, cDNA change, and amino acid change (where applicable). No publications were found based on this search. Allele frequency data from public databases allowed determination this variant is unlikely to cause disease. Therefore, this variant is classified as likely benign.

PreventionGenetics, part of Exact Sciences
Classification: Likely benign for BLM-related condition. Last evaluated: 2024-06-27. Review status: no assertion criteria provided. Collection method: clinical testing. Allele origin: germline. Not counted in ClinVar's aggregate classification.
Comment: This variant is classified as likely benign based on ACMG/AMP sequence variant interpretation guidelines (Richards et al. 2015 PMID: 25741868, with internal and published modifications).

Natera, Inc.
Classification: Uncertain significance for Bloom syndrome. Last evaluated: 2017-05-26. Review status: no assertion criteria provided. Collection method: clinical testing. Allele origin: germline. Not counted in ClinVar's aggregate classification.

Literature cited by the submitters: PubMed 23028338 (cited by 3 submitters); PubMed 28944238 (cited by Mayo Clinic Laboratories, Mayo Clinic and Quest Diagnostics Nichols Institute San Juan Capistrano); PubMed 29641532 (cited by Mayo Clinic Laboratories, Mayo Clinic and Quest Diagnostics Nichols Institute San Juan Capistrano); PubMed 32660107 (cited by Mayo Clinic Laboratories, Mayo Clinic and Quest Diagnostics Nichols Institute San Juan Capistrano); PubMed 35739278 (cited by Mayo Clinic Laboratories, Mayo Clinic and Quest Diagnostics Nichols Institute San Juan Capistrano); PubMed 39037077 (cited by Mayo Clinic Laboratories, Mayo Clinic and Quest Diagnostics Nichols Institute San Juan Capistrano); PubMed 33332384 (cited by Quest Diagnostics Nichols Institute San Juan Capistrano).

NM_000057.4(BLM):c.2362C>A (p.Leu788Ile)

Gene: BLM (BLM RecQ like helicase; plus strand). Cytogenetic location: 15q26.1.
Variant type: single nucleotide variant.
Coding change: c.2362C>A on transcript NM_000057.4 (MANE Select); coding-DNA position 2362, C replaced by A.
Protein change: p.Leu788Ile; replaces leucine 788 with isoleucine.
Molecular consequence: missense variant.
Genome position (GRCh38, 1-based): chr15:90,769,187, C>A. VCF-style: chr15-90769187-C-A. GRCh37 (hg19) VCF-style: chr15-91312417-C-A.
Other names: p.L788I:CTC>ATC; c.2362C>A, p.Leu788Ile (NM_001287246.2, NM_001287247.2); c.1237C>A, p.Leu413Ile (NM_001287248.2); c.2362C>A (LRG_20t1); short protein forms L788I, L413I.
Identifiers: ClinVar variation 127485 (VCV000127485.30), dbSNP rs149754073, ClinGen allele CA287071.